The following is an entry in ClinVar:

ClinVar aggregate classification (germline): Pathogenic. Review status: criteria provided, single submitter (1 of 4 stars). 2 submissions from 2 submitters: Pathogenic (1). 1 of the submissions does not count toward it. Last evaluated 2023-02-09.

Conditions:
Generalized epilepsy with febrile seizures plus, type 10. Also called: GEFS+, TYPE 10. Identifiers: MedGen C5193120, MONDO:0032777, OMIM 618482.
Early-infantile DEE. Also called: Early infantile epileptic encephalopathy with suppression bursts; Ohtahara syndrome; Early infantile epileptic encephalopathy. Identifiers: Orphanet 1934, MedGen C0393706, MONDO:0800491.

Submissions (2):

Labcorp Genetics (formerly Invitae), Labcorp
Classification: Pathogenic for Early-infantile DEE. Last evaluated: 2023-02-09. Review status: criteria provided, single submitter. Criteria: Invitae Variant Classification Sherloc (09022015). Collection method: clinical testing. Allele origin: germline.
Comment: This variant is not present in population databases (gnomAD no frequency). For these reasons, this variant has been classified as Pathogenic. Advanced modeling of protein sequence and biophysical properties (such as structural, functional, and spatial information, amino acid conservation, physicochemical variation, residue mobility, and thermodynamic stability) has been performed at Invitae for this missense variant, however the output from this modeling did not meet the statistical confidence thresholds required to predict the impact of this variant on HCN1 protein function. ClinVar contains an entry for this variant (Variation ID: 1342979). This missense change has been observed in individual(s) with epileptic encephalopathy with cerebellar atrophy (PMID: 29933521, 30776697). In at least one individual the variant was observed to be de novo. This sequence change replaces isoleucine, which is neutral and non-polar, with phenylalanine, which is neutral and non-polar, at codon 380 of the HCN1 protein (p.Ile380Phe).

Department of Neurology, Hunan Children's Hospital
Classification: Uncertain significance for Generalized epilepsy with febrile seizures plus, type 10. Last evaluated: 2021-12-01. Review status: no assertion criteria provided. Collection method: clinical testing. Allele origin: de novo. Affected: yes. Not counted in ClinVar's aggregate classification.

Literature cited by the submitters: PubMed 29933521 (cited by Labcorp Genetics (formerly Invitae), Labcorp); PubMed 30776697 (cited by Labcorp Genetics (formerly Invitae), Labcorp).

NM_021072.4(HCN1):c.1138A>T (p.Ile380Phe)

Gene: HCN1 (hyperpolarization activated cyclic nucleotide gated potassium channel 1; minus strand). Cytogenetic location: 5p12.
Variant type: single nucleotide variant.
Coding change: c.1138A>T on transcript NM_021072.4 (MANE Select); coding-DNA position 1138, A replaced by T.
Protein change: p.Ile380Phe; replaces isoleucine 380 with phenylalanine.
Molecular consequence: missense variant.
Genome position (GRCh38, 1-based): chr5:45,396,584, T>A on the plus strand (A>T on the coding strand, the complement: HCN1 is on the minus strand). VCF-style: chr5-45396584-T-A. GRCh37 (hg19) VCF-style: chr5-45396686-T-A.
Other names: short protein forms I380F.
Identifiers: ClinVar variation 1342979 (VCV001342979.4), dbSNP rs2112040738, ClinGen allele CA359705338.